The following is an entry in ClinVar:

ClinVar aggregate classification (germline): Uncertain significance (1 of 4 stars; one submission).

Conditions:
AGT-related disorder. Also called: AGT-related condition.

gnomAD v4.1: 152 of 1,614,110 alleles (0.0094%); highest among the groups gnomAD compares: Non-Finnish European, 0.013%; no homozygotes.

Submission:

PreventionGenetics, part of Exact Sciences
Classification: Uncertain significance for AGT-related condition. Last evaluated: 2025-01-04. Review status: criteria provided, single submitter. Criteria: ACMG Guidelines, 2015. Collection method: clinical testing. Allele origin: germline.
Comment: The AGT c.1207G>A variant is predicted to result in the amino acid substitution p.Ala403Thr. To our knowledge, this variant has not been reported in the literature. This variant is reported in 0.0093% of alleles in individuals of European (Non-Finnish) descent in gnomAD. At this time, the clinical significance of this variant is uncertain due to the absence of conclusive functional and genetic evidence.

NM_001384479.1(AGT):c.1180G>A (p.Ala394Thr)

Gene: AGT (angiotensinogen; minus strand). Cytogenetic location: 1q42.2.
Variant type: single nucleotide variant.
Coding change: c.1180G>A on transcript NM_001384479.1 (MANE Select); coding-DNA position 1180, G replaced by A.
Protein change: p.Ala394Thr; replaces alanine 394 with threonine.
Molecular consequence: missense variant.
Genome position (GRCh38, 1-based): chr1:230,704,255, C>T on the plus strand (G>A on the coding strand, the complement: AGT is on the minus strand). VCF-style: chr1-230704255-C-T. GRCh37 (hg19) VCF-style: chr1-230840001-C-T.
Other names: NM_000029.3:c.1207G>A; c.1180G>A, p.Ala394Thr (NM_001382817.3); short protein forms A394T.
Identifiers: ClinVar variation 4979050 (VCV004979050.1).
Genomic context (GRCh38, chr1:230,704,255, plus strand): 5'-CCCCCACCCTGATGCGGTCATTGCTCAATTTTTGCAGGTTCAGCTCGGTGTGCAGAATGG[C>T]GGGCAGCTCAGCCTGGGCGAGCAGGTCCTGCAGGTCATAAGATCCTTGCAGCACCAGTTG-3'
Protein context (NP_001371408.1, residues 384-404): QDLLAQAELP[Ala394Thr]ILHTELNLQK